The following is an entry in ClinVar:

ClinVar aggregate classification (germline): Uncertain significance (1 of 4 stars; one submission).

Conditions:
Hereditary cancer-predisposing syndrome. Also called: Hereditary Cancer Syndrome; Hereditary neoplastic syndrome; Neoplastic Syndromes, Hereditary; Tumor predisposition. Identifiers: Orphanet 140162, MedGen C0027672, MeSH D009386, MONDO:0015356.

Submission:

Ambry Genetics
Classification: Uncertain significance for Hereditary cancer-predisposing syndrome. Last evaluated: 2025-07-18. Review status: criteria provided, single submitter. Criteria: Ambry Variant Classification Scheme 2023. Collection method: clinical testing. Allele origin: germline.
Comment: The p.M1149R variant (also known as c.3446T>G), located in coding exon 10 of the BRCA2 gene, results from a T to G substitution at nucleotide position 3446. The methionine at codon 1149 is replaced by arginine, an amino acid with similar properties. This amino acid position is not well conserved in available vertebrate species. In addition, this alteration is predicted to be tolerated by in silico analysis. Based on the available evidence, the clinical significance of this variant remains unclear.

NM_000059.4(BRCA2):c.3446T>G (p.Met1149Arg)

Gene: BRCA2 (BRCA2 DNA repair associated; plus strand). Cytogenetic location: 13q13.1.
Variant type: single nucleotide variant.
Coding change: c.3446T>G on transcript NM_000059.4 (MANE Select); coding-DNA position 3446, T replaced by G.
Protein change: p.Met1149Arg; replaces methionine 1149 with arginine.
Molecular consequence: missense variant. On other transcripts: non-coding transcript variant (1), intron variant (2).
Genome position (GRCh38, 1-based): chr13:32,337,801, T>G. VCF-style: chr13-32337801-T-G. GRCh37 (hg19) VCF-style: chr13-32911938-T-G.
Other names: c.3446T>G, p.Met1149Arg (NM_001406719.1, NM_001406720.1, NM_001432077.1); c.1909+4414T>G (NM_001406721.1); c.425-6757T>G (NM_001406722.1); short protein forms M1149R.
Identifiers: ClinVar variation 4215846 (VCV004215846.1).